The following is an entry in ClinVar:

ClinVar aggregate classification (germline): Likely pathogenic. Review status: criteria provided, single submitter (1 of 4 stars). 2 submissions from 2 submitters: Likely pathogenic (1). 1 of the submissions does not count toward it. Last evaluated 2024-11-13.

Conditions:
Primary ciliary dyskinesia. Also called: Ciliary dyskinesia. Identifiers: Orphanet 244, MedGen C0008780, MONDO:0016575, HP:0012265.

Allele frequency attached by ClinVar (database versions not stated): gnomAD exomes below 0.00001; ExAC 0.00001; TOPMed 0.00003.
gnomAD v4.1: 1 of 1,611,890 alleles (0.000062%); highest among the groups gnomAD compares: African/African-American, 0.0013%; no homozygotes.

Submissions (2):

Labcorp Genetics (formerly Invitae), Labcorp
Classification: Likely pathogenic for Primary ciliary dyskinesia. Last evaluated: 2024-11-13. Review status: criteria provided, single submitter. Criteria: Invitae Variant Classification Sherloc (09022015). Collection method: clinical testing. Allele origin: germline.
Comment: This sequence change affects an acceptor splice site in intron 1 of the DNAI1 gene. It is expected to disrupt RNA splicing. Variants that disrupt the donor or acceptor splice site typically lead to a loss of protein function (PMID: 16199547), and loss-of-function variants in DNAI1 are known to be pathogenic (PMID: 16858015, 29363216). This variant is present in population databases (rs748042738, gnomAD 0.007%). This variant has not been reported in the literature in individuals affected with DNAI1-related conditions. ClinVar contains an entry for this variant (Variation ID: 942087). Algorithms developed to predict the effect of sequence changes on RNA splicing suggest that this variant may disrupt the consensus splice site. In summary, the currently available evidence indicates that the variant is pathogenic, but additional data are needed to prove that conclusively. Therefore, this variant has been classified as Likely Pathogenic.

Natera, Inc.
Classification: Likely pathogenic for Primary ciliary dyskinesia. Last evaluated: 2021-07-26. Review status: no assertion criteria provided. Collection method: clinical testing. Allele origin: germline. Not counted in ClinVar's aggregate classification.

Literature cited by the submitters: PubMed 16199547 (cited by Labcorp Genetics (formerly Invitae), Labcorp); PubMed 16858015 (cited by Labcorp Genetics (formerly Invitae), Labcorp); PubMed 29363216 (cited by Labcorp Genetics (formerly Invitae), Labcorp).

NM_012144.4(DNAI1):c.49-1G>C

Gene: DNAI1 (dynein axonemal intermediate chain 1; plus strand). Cytogenetic location: 9p13.3.
Variant type: single nucleotide variant.
Coding change: c.49-1G>C on transcript NM_012144.4 (MANE Select); the canonical splice acceptor site of the intron before coding-DNA position 49, G replaced by C.
Molecular consequence: splice acceptor variant.
Genome position (GRCh38, 1-based): chr9:34,483,447, G>C. VCF-style: chr9-34483447-G-C. GRCh37 (hg19) VCF-style: chr9-34483445-G-C.
Other names: c.49-1G>C (NM_001281428.2).
Identifiers: ClinVar variation 942087 (VCV000942087.11), dbSNP rs748042738, ClinGen allele CA5033904.